The following is an entry in ClinVar:

NM_000059.4(BRCA2):c.4848_4851del (p.Ser1617fs)

Gene: BRCA2 (BRCA2 DNA repair associated; plus strand). Cytogenetic location: 13q13.1.
Variant type: Deletion.
Coding change: c.4848_4851del on transcript NM_000059.4 (MANE Select); coding-DNA positions 4848 to 4851, 4 bases deleted (AAGT; older notation c.4848_4851delAAGT).
Protein change: p.Ser1617fs; shifts the reading frame from serine 1617.
Molecular consequence: frameshift variant.
Genome position (GRCh38, 1-based): chr13:32,339,203-32,339,206, AAGT deleted; deleting any 4 consecutive bases within chr13:32,339,202-32,339,206 gives the same sequence; the c. name uses the placement nearest the transcript's 3' end. VCF-style (leftmost placement, unchanged base first): chr13-32339201-TTAAG-T. GRCh37 (hg19) VCF-style: chr13-32913338-TTAAG-T.
Other names: c.4848_4851delAAGT (NM_000059.3); short protein forms S1617fs.
Identifiers: ClinVar variation 431309 (VCV000431309.1), dbSNP rs1135401903, ClinGen allele CA645372964.
Genomic context (GRCh38, chr13:32,339,201, plus strand): 5'-AATTCTCTCAATAATGATAAAAACCTTGTTTCTATTGAGACTGTGGTGCCACCTAAGCTC[TTAAG>T]TGATAATTTATGTAGACAAACTGAAAATCTCAAAACATCAAAAAGTATCTTTTTGAAAGT-3'

ClinVar aggregate classification (germline): Pathogenic. Review status: reviewed by expert panel (3 of 4 stars). 2 submissions from 2 submitters: Pathogenic (1). 1 of the submissions does not count toward it. Last evaluated 2017-12-15.

Conditions:
Breast-ovarian cancer, familial, susceptibility to, 2 (BROVCA2). Also called: BRCA2 Hereditary Breast and Ovarian Cancer. Identifiers: Orphanet 145, MedGen C2675520, MONDO:0012933, OMIM 612555. Disease mechanism: loss of function.
Hereditary breast ovarian cancer syndrome. Also called: BRCA1- and BRCA2-Associated Hereditary Breast and Ovarian Cancer; Hereditary breast and/or ovarian cancer syndrome; Hereditary breast and ovarian cancer; Hereditary breast and ovarian cancer syndrome; Hereditary breast and ovarian cancer syndrome (HBOC); Breast and ovarian cancer. Identifiers: Orphanet 145, MedGen C0677776, MeSH D061325, MONDO:0003582. Disease mechanism: loss of function.

Submissions (2):

Evidence-based Network for the Interpretation of Germline Mutant Alleles (ENIGMA)
Classification: Pathogenic for Breast-ovarian cancer, familial, susceptibility to, 2. Last evaluated: 2017-12-15. Review status: reviewed by expert panel. Criteria: ENIGMA BRCA1/2 Classification Criteria (2017-06-29). Collection method: curation. Allele origin: germline. Study: ENIGMA.
Comment: Variant allele predicted to encode a truncated non-functional protein.

Research Molecular Genetics Laboratory, Women's College Hospital, University of Toronto
Classification: Pathogenic for Hereditary breast ovarian cancer syndrome. Last evaluated: 2014-01-31. Review status: no assertion criteria provided. Collection method: research. Allele origin: germline. Affected: yes. Study: The Canadian Open Genetics Repository (COGR). Not counted in ClinVar's aggregate classification.